The following is an entry in ClinVar:

NM_181552.4(CUX1):c.4493A>C (p.Glu1498Ala)

Gene: CUX1 (cut like homeobox 1; plus strand). Cytogenetic location: 7q22.1.
Variant type: single nucleotide variant.
Coding change: c.4493A>C on transcript NM_181552.4 (MANE Select); coding-DNA position 4493, A replaced by C.
Protein change: p.Glu1498Ala; replaces glutamic acid 1498 with alanine.
Molecular consequence: missense variant. On other transcripts: intron variant (5).
Genome position (GRCh38, 1-based): chr7:102,249,017, A>C. VCF-style: chr7-102249017-A-C. GRCh37 (hg19) VCF-style: chr7-101892297-A-C.
Other names: c.1250-24349A>C (NM_181500.4); c.1118-24349A>C (NM_001202545.3); c.1208-24349A>C (NM_001202544.3); c.1139-24349A>C (NM_001202546.3); c.4526A>C, p.Glu1509Ala (NM_001202543.2); c.1256-24349A>C (NM_001913.5); short protein forms E1498A, E1509A.
Identifiers: ClinVar variation 1701531 (VCV001701531.31), dbSNP rs2132627747, ClinGen allele CA368670226.

ClinVar aggregate classification (germline): Uncertain significance (1 of 4 stars; one submission).

Submission:

CeGaT Center for Human Genetics Tuebingen
Classification: Uncertain significance. Last evaluated: 2022-07-01. Review status: criteria provided, single submitter. Criteria: CeGaT Center For Human Genetics Tuebingen Variant Classification Criteria Version 2. Collection method: clinical testing. Allele origin: germline. Affected: yes. Observed: 1 variant allele.
Comment: CUX1: PM2, PP2